The following is an entry in ClinVar:

NM_025099.6(CTC1):c.1819-7_1819-5del

Gene: CTC1 (CST telomere replication complex component 1; minus strand). Cytogenetic location: 17p13.1.
Variant type: Microsatellite.
Coding change: c.1819-7_1819-5del on transcript NM_025099.6 (MANE Select); 7 bases into the intron before coding-DNA position 1819 through 5 bases into the intron before coding-DNA position 1819, 3 bases deleted (CTT; older notation c.1819-7_1819-5delCTT).
Molecular consequence: intron variant.
Genome position (GRCh38, 1-based): chr17:8,233,037-8,233,039, AAG deleted on the plus strand (CTT on the coding strand, the reverse complement: CTC1 is on the minus strand); deleting any 3 consecutive bases within chr17:8,233,037-8,233,043 gives the same sequence; the c. name uses the placement nearest the transcript's 3' end. VCF-style (leftmost placement, unchanged base first): chr17-8233036-CAAG-C. GRCh37 (hg19) VCF-style: chr17-8136354-CAAG-C.
Other names: c.1819-7_1819-5del (NM_001411067.1).
Identifiers: ClinVar variation 3714585 (VCV003714585.2).

ClinVar aggregate classification (germline): Uncertain significance (1 of 4 stars; one submission).

Conditions:
Dyskeratosis congenita. Identifiers: Orphanet 1775, MedGen C0265965, MONDO:0015780.

Submission:

Labcorp Genetics (formerly Invitae), Labcorp
Classification: Uncertain significance for Dyskeratosis congenita. Last evaluated: 2024-09-18. Review status: criteria provided, single submitter. Criteria: Invitae Variant Classification Sherloc (09022015). Collection method: clinical testing. Allele origin: germline.
Comment: This sequence change falls in intron 10 of the CTC1 gene. It does not directly change the encoded amino acid sequence of the CTC1 protein. This variant is not present in population databases (gnomAD no frequency). This variant has not been reported in the literature in individuals affected with CTC1-related conditions. Algorithms developed to predict the effect of sequence changes on RNA splicing suggest that this variant may disrupt the consensus splice site. In summary, the available evidence is currently insufficient to determine the role of this variant in disease. Therefore, it has been classified as a Variant of Uncertain Significance.